The following is an entry in ClinVar:

NM_052966.4(NIBAN1):c.478A>G (p.Lys160Glu)

Gene: NIBAN1 (niban apoptosis regulator 1; minus strand). Cytogenetic location: 1q25.3.
Variant type: single nucleotide variant.
Coding change: c.478A>G on transcript NM_052966.4 (MANE Select); coding-DNA position 478, A replaced by G.
Protein change: p.Lys160Glu; replaces lysine 160 with glutamic acid.
Molecular consequence: missense variant.
Genome position (GRCh38, 1-based): chr1:184,884,756, T>C on the plus strand (A>G on the coding strand, the complement: NIBAN1 is on the minus strand). VCF-style: chr1-184884756-T-C. GRCh37 (hg19) VCF-style: chr1-184853890-T-C.
Other names: c.-129A>G (NM_022083.1); short protein forms K160E.
Identifiers: ClinVar variation 2639638 (VCV002639638.24), dbSNP rs140191774, ClinGen allele CA1288587.

ClinVar aggregate classification (germline): Likely benign (1 of 4 stars; one submission).

Allele frequency attached by ClinVar (database versions not stated): 1000 Genomes Project 0.00240; 1000 Genomes Project 30x 0.00281; gnomAD 0.00398; ExAC 0.00406; ESP Exome Variant Server 0.00408; TOPMed 0.00453; gnomAD exomes 0.00516.
gnomAD v4.1: 8,198 of 1,614,210 alleles (0.51%); highest among the groups gnomAD compares: Middle Eastern, 1.2%; 35 homozygotes.

Submission:

CeGaT Center for Human Genetics Tuebingen
Classification: Likely benign. Last evaluated: 2023-04-01. Review status: criteria provided, single submitter. Criteria: CeGaT Center For Human Genetics Tuebingen Variant Classification Criteria Version 2. Collection method: clinical testing. Allele origin: germline. Affected: yes. Observed: 1 variant allele.
Comment: NIBAN1: BS2